The following is an entry in ClinVar:

NM_152393.4(KLHL40):c.1306G>A (p.Asp436Asn)

Gene: KLHL40 (kelch like family member 40; plus strand). Cytogenetic location: 3p22.1.
Variant type: single nucleotide variant.
Coding change: c.1306G>A on transcript NM_152393.4 (MANE Select); coding-DNA position 1306, G replaced by A.
Protein change: p.Asp436Asn; replaces aspartic acid 436 with asparagine.
Molecular consequence: missense variant.
Genome position (GRCh38, 1-based): chr3:42,688,295, G>A. VCF-style: chr3-42688295-G-A. GRCh37 (hg19) VCF-style: chr3-42729787-G-A.
Other names: p.Asp436Asn; c.1306G>A (NM_152393.2); short protein forms D436N.
Identifiers: ClinVar variation 474327 (VCV000474327.10), dbSNP rs372145157, ClinGen allele CA2336887.

ClinVar aggregate classification (germline): Uncertain significance. Review status: criteria provided, multiple submitters, no conflicts (2 of 4 stars). 5 submissions from 5 submitters: Uncertain significance (5). Last evaluated 2024-11-14.

Conditions:
Nemaline myopathy 8 (NEM8). Also called: Nemaline myopathy 8, autosomal recessive. Identifiers: Orphanet 171430, MedGen C3809209, MONDO:0014138, OMIM 615348.
Inborn genetic diseases. Identifiers: MedGen C0950123, MeSH D030342.

Allele frequency attached by ClinVar (database versions not stated): gnomAD 0.00005 and 0.00006; TOPMed 0.00011; ExAC 0.00004; gnomAD exomes 0.00013; ESP Exome Variant Server 0.00008.
gnomAD v4.1: 136 of 1,613,786 alleles (0.0084%); highest among the groups gnomAD compares: Middle Eastern, 0.066%; no homozygotes.

Submissions (5):

Ambry Genetics
Classification: Uncertain significance for Inborn genetic diseases. Last evaluated: 2024-11-14. Review status: criteria provided, single submitter. Criteria: Ambry Variant Classification Scheme 2023. Collection method: clinical testing. Allele origin: germline.

Mayo Clinic Laboratories, Mayo Clinic
Classification: Uncertain significance. Last evaluated: 2024-05-16. Review status: criteria provided, single submitter. Criteria: ACMG Guidelines, 2015. Collection method: clinical testing. Allele origin: germline. Observed: 1 variant allele.

Revvity Omics, Revvity
Classification: Uncertain significance for Nemaline myopathy 8. Last evaluated: 2024-04-01. Review status: criteria provided, single submitter. Criteria: ACMG Guidelines, 2015. Collection method: clinical testing. Allele origin: germline.

Labcorp Genetics (formerly Invitae), Labcorp
Classification: Uncertain significance for Nemaline myopathy 8. Last evaluated: 2022-09-13. Review status: criteria provided, single submitter. Criteria: Invitae Variant Classification Sherloc (09022015). Collection method: clinical testing. Allele origin: germline.
Comment: This sequence change replaces aspartic acid, which is acidic and polar, with asparagine, which is neutral and polar, at codon 436 of the KLHL40 protein (p.Asp436Asn). This variant is present in population databases (rs372145157, gnomAD 0.05%). This variant has not been reported in the literature in individuals affected with KLHL40-related conditions. ClinVar contains an entry for this variant (Variation ID: 474327). Advanced modeling of protein sequence and biophysical properties (such as structural, functional, and spatial information, amino acid conservation, physicochemical variation, residue mobility, and thermodynamic stability) performed at Invitae indicates that this missense variant is not expected to disrupt KLHL40 protein function. In summary, the available evidence is currently insufficient to determine the role of this variant in disease. Therefore, it has been classified as a Variant of Uncertain Significance.

GeneDx
Classification: Uncertain significance. Last evaluated: 2021-11-11. Review status: criteria provided, single submitter. Criteria: GeneDx Variant Classification Process June 2021. Collection method: clinical testing. Allele origin: germline. Affected: yes.
Comment: In silico analysis supports that this missense variant has a deleterious effect on protein structure/function; Has not been previously published as pathogenic or benign to our knowledge; This variant is associated with the following publications: (PMID: 23746549)